The following is an entry in ClinVar:

NM_000256.3(MYBPC3):c.1316del (p.Gly439fs)

Gene: MYBPC3 (myosin binding protein C3; minus strand). Cytogenetic location: 11p11.2.
Variant type: Deletion.
Coding change: c.1316del on transcript NM_000256.3 (MANE Select); coding-DNA position 1316, one base deleted (G; older notation c.1316delG).
Protein change: p.Gly439fs; shifts the reading frame from glycine 439.
Molecular consequence: frameshift variant.
Genome position (GRCh38, 1-based): chr11:47,343,056, C deleted on the plus strand (G on the coding strand, the reverse complement: MYBPC3 is on the minus strand); the first of 3 consecutive C bases (chr11:47,343,056-47,343,058); deleting any one gives the same sequence. VCF-style (leftmost placement, unchanged base first): chr11-47343055-AC-A. GRCh37 (hg19) VCF-style: chr11-47364606-AC-A.
Other names: short protein forms G439fs.
Identifiers: ClinVar variation 1769794 (VCV001769794.2), dbSNP rs730880710, ClinGen allele CA010077.

ClinVar aggregate classification (germline): Pathogenic (1 of 4 stars; one submission).

Conditions:
Cardiovascular phenotype. Identifiers: MedGen CN230736.

Submission:

Ambry Genetics
Classification: Pathogenic for Cardiovascular phenotype. Last evaluated: 2021-06-03. Review status: criteria provided, single submitter. Criteria: Ambry Variant Classification Scheme 2023. Collection method: clinical testing. Allele origin: germline.
Comment: The c.1316delG pathogenic mutation, located in coding exon 15 of the MYBPC3 gene, results from a deletion of one nucleotide at nucleotide position 1316, causing a translational frameshift with a predicted alternate stop codon (p.G439Vfs*11). This alteration is expected to result in loss of function by premature protein truncation or nonsense-mediated mRNA decay. As such, this alteration is interpreted as a disease-causing mutation.